The following is an entry in ClinVar:

ClinVar aggregate classification (germline): Conflicting classifications of pathogenicity. Review status: criteria provided, conflicting classifications (1 of 4 stars). 5 submissions from 5 submitters: Uncertain significance (1); Likely benign (3). 1 of the submissions does not count toward it. Last evaluated 2025-12-01.

Conditions:
Postaxial polydactyly-anterior pituitary anomalies-facial dysmorphism syndrome. Also called: Culler-Jones syndrome. Identifiers: Orphanet 420584, MedGen C4014479, MONDO:0014369, OMIM 615849.
Holoprosencephaly 9 (HPE9). Also called: PITUITARY ANOMALIES WITH HOLOPROSENCEPHALY-LIKE FEATURES; HOLOPROSENCEPHALY WITH MICROPHTHALMIA AND FIRST BRANCHIAL ARCH ANOMALIES. Identifiers: Orphanet 2162, MedGen C1835819, MONDO:0012563, OMIM 610829.
GLI2-related disorder. Also called: GLI2-related disorders; GLI2-related condition.

Allele frequency attached by ClinVar (database versions not stated): ExAC 0.00010; gnomAD exomes 0.00010 and 0.00012; 1000 Genomes Project 30x 0.00031; gnomAD 0.00159 and 0.00176; TOPMed 0.00189.
gnomAD v4.1: 404 of 1,463,760 alleles (0.028%); highest among the groups gnomAD compares: African/African-American, 0.56%; no homozygotes.

Submissions (5):

Labcorp Genetics (formerly Invitae), Labcorp
Classification: Likely benign for Postaxial polydactyly-anterior pituitary anomalies-facial dysmorphism syndrome; Holoprosencephaly 9. Last evaluated: 2025-12-01. Review status: criteria provided, single submitter. Criteria: Invitae Variant Classification Sherloc (09022015). Collection method: clinical testing. Allele origin: germline.

Blueprint Genetics
Classification: Likely benign. Last evaluated: 2024-11-01. Review status: criteria provided, single submitter. Criteria: ACMG Guidelines, 2015. Collection method: clinical testing. Allele origin: germline.

CeGaT Center for Human Genetics Tuebingen
Classification: Likely benign. Last evaluated: 2023-01-01. Review status: criteria provided, single submitter. Criteria: CeGaT Center For Human Genetics Tuebingen Variant Classification Criteria Version 2. Collection method: clinical testing. Allele origin: germline. Affected: yes. Observed: 1 variant allele.
Comment: GLI2: BP4, BP7, BS1

Illumina Laboratory Services, Illumina
Classification: Uncertain significance for Holoprosencephaly 9. Last evaluated: 2018-01-12. Review status: criteria provided, single submitter. Criteria: ICSL Variant Classification Criteria 13 December 2019. Collection method: clinical testing. Allele origin: germline.

PreventionGenetics, part of Exact Sciences
Classification: Benign for GLI2-related condition. Last evaluated: 2019-05-17. Review status: no assertion criteria provided. Collection method: clinical testing. Allele origin: germline. Not counted in ClinVar's aggregate classification.
Comment: This variant is classified as benign based on ACMG/AMP sequence variant interpretation guidelines (Richards et al. 2015 PMID: 25741868, with internal and published modifications).

NM_001374353.1(GLI2):c.2865T>A (p.Pro955=)

Gene: GLI2 (GLI family zinc finger 2; plus strand). Cytogenetic location: 2q14.2.
Variant type: single nucleotide variant.
Coding change: c.2865T>A on transcript NM_001374353.1 (MANE Select); coding-DNA position 2865, T replaced by A.
Protein change: p.Pro955=; no amino-acid change (proline 955 retained).
Molecular consequence: synonymous variant.
Genome position (GRCh38, 1-based): chr2:120,988,830, T>A. VCF-style: chr2-120988830-T-A. GRCh37 (hg19) VCF-style: chr2-121746406-T-A.
Other names: c.2916T>A, p.Pro972= (NM_001371271.1, NM_005270.5); c.2490T>A, p.Pro830= (NM_001374354.1).
Identifiers: ClinVar variation 330982 (VCV000330982.39), dbSNP rs747247646, ClinGen allele CA1852280.
Genomic context (GRCh38, chr2:120,988,830, plus strand): 5'-GGCTGCGCCCGCCTTCCCCCACGAGGCTCCAGGCGGCGGAGCCAGGCGGGCCAGCGACCC[T>A]GTGCGGCGGCCCGATGCCCTGTCCCTGCCGCGGGTGCAGCGCTTCCACAGCACCCACAAC-3'
Protein context (NP_001361282.1, residues 945-965): PGGGARRASD[Pro955=]VRRPDALSLP